The following is an entry in ClinVar:

ClinVar aggregate classification (germline): Uncertain significance. Review status: criteria provided, multiple submitters, no conflicts (2 of 4 stars). 3 submissions from 3 submitters: Uncertain significance (3). Last evaluated 2025-12-24.

Conditions:
Inborn genetic diseases. Identifiers: MedGen C0950123, MeSH D030342.
ETV6-related disorder. Also called: ETV6-related condition.

Allele frequency attached by ClinVar (database versions not stated): gnomAD 0.00001; gnomAD exomes 0.00003.
gnomAD v4.1: 45 of 1,614,024 alleles (0.0028%); highest among the groups gnomAD compares: Non-Finnish European, 0.0033%; 2 homozygotes.

Submissions (3):

Labcorp Genetics (formerly Invitae), Labcorp
Classification: Uncertain significance. Last evaluated: 2025-12-24. Review status: criteria provided, single submitter. Criteria: Invitae Variant Classification Sherloc (09022015). Collection method: clinical testing. Allele origin: germline.
Comment: This sequence change replaces arginine, which is basic and polar, with tryptophan, which is neutral and slightly polar, at codon 191 of the ETV6 protein (p.Arg191Trp). This variant is not present in population databases (gnomAD no frequency). This variant has not been reported in the literature in individuals affected with ETV6-related conditions. ClinVar contains an entry for this variant (Variation ID: 2636341). Invitae Evidence Modeling of protein sequence and biophysical properties (such as structural, functional, and spatial information, amino acid conservation, physicochemical variation, residue mobility, and thermodynamic stability) indicates that this missense variant is not expected to disrupt ETV6 protein function with a negative predictive value of 80%. In summary, the available evidence is currently insufficient to determine the role of this variant in disease. Therefore, it has been classified as a Variant of Uncertain Significance.

Ambry Genetics
Classification: Uncertain significance for Inborn genetic diseases. Last evaluated: 2024-11-30. Review status: criteria provided, single submitter. Criteria: Ambry Variant Classification Scheme 2023. Collection method: clinical testing. Allele origin: germline.
Comment: The p.R191W variant (also known as c.571C>T), located in coding exon 5 of the ETV6 gene, results from a C to T substitution at nucleotide position 571. The arginine at codon 191 is replaced by tryptophan, an amino acid with dissimilar properties. This amino acid position is conserved. In addition, the in silico prediction for this alteration is inconclusive. Based on the available evidence, the clinical significance of this variant remains unclear.

PreventionGenetics, part of Exact Sciences
Classification: Uncertain significance for ETV6-related condition. Last evaluated: 2023-06-19. Review status: criteria provided, single submitter. Criteria: ACMG Guidelines, 2015. Collection method: clinical testing. Allele origin: germline.
Comment: The ETV6 c.571C>T variant is predicted to result in the amino acid substitution p.Arg191Trp. To our knowledge, this variant has not been reported in the literature or in a large population database, indicating this variant is rare. At this time, the clinical significance of this variant is uncertain due to the absence of conclusive functional and genetic evidence.

NM_001987.5(ETV6):c.571C>T (p.Arg191Trp)

Gene: ETV6 (ETS variant transcription factor 6; plus strand). Cytogenetic location: 12p13.2.
Variant type: single nucleotide variant.
Coding change: c.571C>T on transcript NM_001987.5 (MANE Select); coding-DNA position 571, C replaced by T.
Protein change: p.Arg191Trp; replaces arginine 191 with tryptophan.
Molecular consequence: missense variant.
Genome position (GRCh38, 1-based): chr12:11,869,531, C>T. VCF-style: chr12-11869531-C-T. GRCh37 (hg19) VCF-style: chr12-12022465-C-T.
Other names: c.568C>T, p.Arg190Trp (NM_001413913.1); c.544C>T, p.Arg182Trp (NM_001413914.1); c.307C>T, p.Arg103Trp (NM_001413915.1); c.571C>T, p.Arg191Trp (NM_001413916.1, NM_001413917.1); short protein forms R103W, R182W, R190W, R191W.
Identifiers: ClinVar variation 2636341 (VCV002636341.3), dbSNP rs1946844930, ClinGen allele CA384043506.
Genomic context (GRCh38, chr12:11,869,531, plus strand): 5'-CATAACCCTCCCACCATTGAACTGTTGCACCGCTCCAGGTCACCTATCACGACAAATCAC[C>T]GGCCTTCTCCTGACCCCGAGCAGCGGCCCCTCCGGTCCCCCCTGGACAACATGATCCGCC-3'
Protein context (NP_001978.1, residues 181-201): RSRSPITTNH[Arg191Trp]PSPDPEQRPL